The following is an entry in ClinVar:

ClinVar aggregate classification (germline): Likely benign (0 of 4 stars; one submission).

Conditions:
PTPRD-related disorder. Also called: PTPRD-related condition.

Allele frequency attached by ClinVar (database versions not stated): gnomAD exomes 0.00013; ExAC 0.00052; 1000 Genomes Project 0.00120; 1000 Genomes Project 30x 0.00125; ESP Exome Variant Server 0.00146; gnomAD 0.00152; TOPMed 0.00162.
gnomAD v4.1: 425 of 1,612,582 alleles (0.026%); highest among the groups gnomAD compares: African/African-American, 0.55%; 1 homozygote.

Submission:

PreventionGenetics, part of Exact Sciences
Classification: Likely benign for PTPRD-related condition. Last evaluated: 2019-06-17. Review status: no assertion criteria provided. Collection method: clinical testing. Allele origin: germline.
Comment: This variant is classified as likely benign based on ACMG/AMP sequence variant interpretation guidelines (Richards et al. 2015 PMID: 25741868, with internal and published modifications).

NM_002839.4(PTPRD):c.3651G>A (p.Lys1217=)

Gene: PTPRD (protein tyrosine phosphatase receptor type D; minus strand). Cytogenetic location: 9p24.1.
Variant type: single nucleotide variant.
Coding change: c.3651G>A on transcript NM_002839.4 (MANE Select); coding-DNA position 3651, G replaced by A.
Protein change: p.Lys1217=; no amino-acid change (lysine 1217 retained).
Molecular consequence: synonymous variant.
Genome position (GRCh38, 1-based): chr9:8,465,529, C>T on the plus strand (G>A on the coding strand, the complement: PTPRD is on the minus strand). VCF-style: chr9-8465529-C-T. GRCh37 (hg19) VCF-style: chr9-8465529-C-T.
Other names: c.2409G>A, p.Lys803= (NM_001040712.2); c.2388G>A, p.Lys796= (NM_001171025.2); c.2400G>A, p.Lys800= (NM_001377946.1); c.2412G>A, p.Lys804= (NM_001377947.1); c.3654G>A, p.Lys1218= (NM_001377958.1); c.3651G>A, p.Lys1217= (NM_001378058.1); c.2418G>A, p.Lys806= (NM_130391.4, NM_130392.3); c.2403G>A, p.Lys801= (NM_130393.3).
Identifiers: ClinVar variation 3033545 (VCV003033545.2), dbSNP rs150856940, ClinGen allele CA4983741.